The following is an entry in ClinVar:

ClinVar aggregate classification (germline): Uncertain significance (1 of 4 stars; one submission).

Allele frequency attached by ClinVar (database versions not stated): gnomAD exomes 0.00002; TOPMed 0.00004; ExAC 0.00001; gnomAD 0.00001.
gnomAD v4.1: 25 of 1,613,516 alleles (0.0015%); highest among the groups gnomAD compares: Non-Finnish European, 0.002%; no homozygotes.

Submission:

Labcorp Genetics (formerly Invitae), Labcorp
Classification: Uncertain significance. Last evaluated: 2021-12-19. Review status: criteria provided, single submitter. Criteria: Invitae Variant Classification Sherloc (09022015). Collection method: clinical testing. Allele origin: germline.
Comment: This sequence change replaces aspartic acid, which is acidic and polar, with asparagine, which is neutral and polar, at codon 337 of the DMXL2 protein (p.Asp337Asn). This variant is present in population databases (rs746523048, gnomAD 0.004%). This variant has not been reported in the literature in individuals affected with DMXL2-related conditions. Algorithms developed to predict the effect of missense changes on protein structure and function are either unavailable or do not agree on the potential impact of this missense change (SIFT: "Tolerated"; PolyPhen-2: "Possibly Damaging"; Align-GVGD: "Class C0"). In summary, the available evidence is currently insufficient to determine the role of this variant in disease. Therefore, it has been classified as a Variant of Uncertain Significance.

NM_001378457.1(DMXL2):c.1009G>A (p.Asp337Asn)

Gene: DMXL2 (Dmx like 2; minus strand). Cytogenetic location: 15q21.2.
Variant type: single nucleotide variant.
Coding change: c.1009G>A on transcript NM_001378457.1 (MANE Select); coding-DNA position 1009, G replaced by A.
Protein change: p.Asp337Asn; replaces aspartic acid 337 with asparagine.
Molecular consequence: missense variant. On other transcripts: non-coding transcript variant (2).
Genome position (GRCh38, 1-based): chr15:51,542,429, C>T on the plus strand (G>A on the coding strand, the complement: DMXL2 is on the minus strand). VCF-style: chr15-51542429-C-T. GRCh37 (hg19) VCF-style: chr15-51834626-C-T.
Other names: c.1009G>A, p.Asp337Asn (NM_001174116.3, NM_001174117.3, NM_001378458.1 and 7 more transcripts); short protein forms D337N.
Identifiers: ClinVar variation 2420130 (VCV002420130.3), dbSNP rs746523048, ClinGen allele CA7562689.